The following is an entry in ClinVar:

NM_004560.4(ROR2):c.319C>T (p.Arg107Trp)

Gene: ROR2 (receptor tyrosine kinase like orphan receptor 2; minus strand). Cytogenetic location: 9q22.31.
Variant type: single nucleotide variant.
Coding change: c.319C>T on transcript NM_004560.4 (MANE Select); coding-DNA position 319, C replaced by T.
Protein change: p.Arg107Trp; replaces arginine 107 with tryptophan.
Molecular consequence: missense variant.
Genome position (GRCh38, 1-based): chr9:91,757,416, G>A on the plus strand (C>T on the coding strand, the complement: ROR2 is on the minus strand). VCF-style: chr9-91757416-G-A. GRCh37 (hg19) VCF-style: chr9-94519698-G-A.
Other names: c.319C>T, p.Arg107Trp (NM_001318204.2); short protein forms R107W.
Identifiers: ClinVar variation 2387894 (VCV002387894.4), dbSNP rs201740043, ClinGen allele CA5121062.
Genomic context (GRCh38, chr9:91,757,416, plus strand): 5'-TGTCCAGGTCCTGGATTCGCAGTCGTGAACCATATTCTGTCTTCCGGATGATGATCCGCC[G>A]CGGCTCCTGCACCACCGGGGCATCATTCTTTAGCCACCGCACGTTAGGGGGTGGGTTTCC-3'
Protein context (NP_004551.2, residues 97-117): KNDAPVVQEP[Arg107Trp]RIIIRKTEYG

ClinVar aggregate classification (germline): Uncertain significance. Review status: criteria provided, multiple submitters, no conflicts (2 of 4 stars). 2 submissions from 2 submitters: Uncertain significance (2). Last evaluated 2025-11-04.

Conditions:
Inborn genetic diseases. Identifiers: MedGen C0950123, MeSH D030342.

Allele frequency attached by ClinVar (database versions not stated): TOPMed 0.00007; gnomAD exomes 0.00002; ExAC 0.00002; gnomAD 0.00006.
gnomAD v4.1: 40 of 1,613,798 alleles (0.0025%); highest among the groups gnomAD compares: Admixed American, 0.0083%; no homozygotes.

Submissions (2):

Labcorp Genetics (formerly Invitae), Labcorp
Classification: Uncertain significance. Last evaluated: 2025-11-04. Review status: criteria provided, single submitter. Criteria: Invitae Variant Classification Sherloc (09022015). Collection method: clinical testing. Allele origin: germline.
Comment: This sequence change replaces arginine, which is basic and polar, with tryptophan, which is neutral and slightly polar, at codon 107 of the ROR2 protein (p.Arg107Trp). This variant is present in population databases (rs201740043, gnomAD 0.004%). This variant has not been reported in the literature in individuals affected with ROR2-related conditions. ClinVar contains an entry for this variant (Variation ID: 2387894). Invitae Evidence Modeling of protein sequence and biophysical properties (such as structural, functional, and spatial information, amino acid conservation, physicochemical variation, residue mobility, and thermodynamic stability) indicates that this missense variant is not expected to disrupt ROR2 protein function with a negative predictive value of 95%. In summary, the available evidence is currently insufficient to determine the role of this variant in disease. Therefore, it has been classified as a Variant of Uncertain Significance.

Ambry Genetics
Classification: Uncertain significance for Inborn genetic diseases. Last evaluated: 2021-10-06. Review status: criteria provided, single submitter. Criteria: Ambry Variant Classification Scheme 2023. Collection method: clinical testing. Allele origin: germline.